The following is an entry in ClinVar:

ClinVar aggregate classification (germline): Likely benign. Review status: criteria provided, multiple submitters, no conflicts (2 of 4 stars). 2 submissions from 2 submitters: Likely benign (2). Last evaluated 2025-12-08.

Conditions:
Fanconi anemia (FA). Also called: Fanconi's anemia. Identifiers: Orphanet 84, MedGen C0015625, MeSH D005199, MONDO:0019391.

Allele frequency attached by ClinVar (database versions not stated): ExAC 0.00001; gnomAD 0.00001; TOPMed 0.00001; gnomAD exomes 0.00002.
gnomAD v4.1: 15 of 1,610,234 alleles (0.00093%); highest among the groups gnomAD compares: Admixed American, 0.005%; no homozygotes.

Submissions (2):

Labcorp Genetics (formerly Invitae), Labcorp
Classification: Likely benign for Fanconi anemia. Last evaluated: 2025-12-08. Review status: criteria provided, single submitter. Criteria: Invitae Variant Classification Sherloc (09022015). Collection method: clinical testing. Allele origin: germline.

CeGaT Center for Human Genetics Tuebingen
Classification: Likely benign. Last evaluated: 2023-10-01. Review status: criteria provided, single submitter. Criteria: CeGaT Center For Human Genetics Tuebingen Variant Classification Criteria Version 2. Collection method: clinical testing. Allele origin: germline. Affected: yes. Observed: 1 variant allele.
Comment: SLX4: BP4, BP7

NM_032444.4(SLX4):c.4098C>T (p.Arg1366=)

Gene: SLX4 (SLX4 structure-specific endonuclease subunit; minus strand). Cytogenetic location: 16p13.3.
Variant type: single nucleotide variant.
Coding change: c.4098C>T on transcript NM_032444.4 (MANE Select); coding-DNA position 4098, C replaced by T.
Protein change: p.Arg1366=; no amino-acid change (arginine 1366 retained).
Molecular consequence: synonymous variant.
Genome position (GRCh38, 1-based): chr16:3,589,540, G>A on the plus strand (C>T on the coding strand, the complement: SLX4 is on the minus strand). VCF-style: chr16-3589540-G-A. GRCh37 (hg19) VCF-style: chr16-3639541-G-A.
Identifiers: ClinVar variation 1118026 (VCV001118026.32), dbSNP rs770811758, ClinGen allele CA7865735.